The following is an entry in ClinVar:

NM_001363.5(DKC1):c.1276G>C (p.Glu426Gln)

Gene: DKC1 (dyskerin pseudouridine synthase 1; plus strand). Cytogenetic location: Xq28.
Variant type: single nucleotide variant.
Coding change: c.1276G>C on transcript NM_001363.5 (MANE Select); coding-DNA position 1276, G replaced by C.
Protein change: p.Glu426Gln; replaces glutamic acid 426 with glutamine.
Molecular consequence: missense variant. On other transcripts: 3 prime UTR variant (1), non-coding transcript variant (3).
Genome position (GRCh38, 1-based): chrX:154,775,211, G>C. VCF-style: chrX-154775211-G-C. GRCh37 (hg19) VCF-style: chrX-154003486-G-C.
Other names: c.1261G>C, p.Glu421Gln (NM_001142463.3); c.*502G>C (NM_001288747.2); short protein forms E421Q, E426Q.
Identifiers: ClinVar variation 969942 (VCV000969942.9), dbSNP rs2071881185, ClinGen allele CA414898873.

ClinVar aggregate classification (germline): Uncertain significance (1 of 4 stars; one submission).

Conditions:
Dyskeratosis congenita. Identifiers: Orphanet 1775, MedGen C0265965, MONDO:0015780.

Submission:

Labcorp Genetics (formerly Invitae), Labcorp
Classification: Uncertain significance for Dyskeratosis congenita. Last evaluated: 2019-10-24. Review status: criteria provided, single submitter. Criteria: Invitae Variant Classification Sherloc (09022015). Collection method: clinical testing. Allele origin: germline.
Comment: This variant is not present in population databases (ExAC no frequency). This variant has not been reported in the literature in individuals with DKC1-related conditions. Algorithms developed to predict the effect of missense changes on protein structure and function (SIFT, PolyPhen-2, Align-GVGD) all suggest that this variant is likely to be tolerated, but these predictions have not been confirmed by published functional studies and their clinical significance is uncertain. In summary, the available evidence is currently insufficient to determine the role of this variant in disease. Therefore, it has been classified as a Variant of Uncertain Significance. This sequence change replaces glutamic acid with glutamine at codon 426 of the DKC1 protein (p.Glu426Gln). The glutamic acid residue is weakly conserved and there is a small physicochemical difference between glutamic acid and glutamine.